The following is an entry in ClinVar:

NM_130384.3(ATRIP):c.1879T>G (p.Ser627Ala)

Genes: ATRIP (ATR interacting protein; plus strand), ATRIP-TREX1 (ATRIP-TREX1 readthrough; plus strand). Cytogenetic location: 3p21.31.
Variant type: single nucleotide variant.
Coding change: c.1879T>G on transcript NM_130384.3 (MANE Select); coding-DNA position 1879, T replaced by G.
Protein change: p.Ser627Ala; replaces serine 627 with alanine.
Molecular consequence: missense variant. On other transcripts: non-coding transcript variant (1).
Genome position (GRCh38, 1-based): chr3:48,463,878, T>G. VCF-style: chr3-48463878-T-G. GRCh37 (hg19) VCF-style: chr3-48505277-T-G.
Other names: c.1498T>G, p.Ser500Ala (NM_001271022.2); c.1600T>G, p.Ser534Ala (NM_001271023.2); c.1879T>G, p.Ser627Ala (NM_032166.4); short protein forms S500A, S627A, S534A.
Identifiers: ClinVar variation 3976012 (VCV003976012.1).

ClinVar aggregate classification (germline): Uncertain significance (1 of 4 stars; one submission).

Submission:

Ambry Genetics
Classification: Uncertain significance. Last evaluated: 2025-04-07. Review status: criteria provided, single submitter. Criteria: Ambry Variant Classification Scheme 2023. Collection method: clinical testing. Allele origin: germline.
Comment: The p.S627A variant (also known as c.1879T>G), located in coding exon 9 of the ATRIP gene, results from a T to G substitution at nucleotide position 1879. The serine at codon 627 is replaced by alanine, an amino acid with similar properties. This amino acid position is conserved. In addition, this alteration is predicted to be tolerated by in silico analysis. Based on the available evidence, the clinical significance of this variant remains unclear.